The following is an entry in ClinVar:

NM_001347.4(DGKQ):c.1524C>T (p.Pro508=)

Gene: DGKQ (diacylglycerol kinase theta; minus strand). Cytogenetic location: 4p16.3.
Variant type: single nucleotide variant.
Coding change: c.1524C>T on transcript NM_001347.4 (MANE Select); coding-DNA position 1524, C replaced by T.
Protein change: p.Pro508=; no amino-acid change (proline 508 retained).
Molecular consequence: synonymous variant.
Genome position (GRCh38, 1-based): chr4:965,983, G>A on the plus strand (C>T on the coding strand, the complement: DGKQ is on the minus strand). VCF-style: chr4-965983-G-A. GRCh37 (hg19) VCF-style: chr4-959771-G-A.
Identifiers: ClinVar variation 2654534 (VCV002654534.24), dbSNP rs373971638, ClinGen allele CA2800425.
Genomic context (GRCh38, chr4:965,983, plus strand): 5'-CACACCTTTGGTAGCCCCGGCCTCATGCAGCAGGCTGCTGTACTCCTCGGGAGACAGGCC[G>A]GGAGGCAGGCCGCCAACAAACAGGGAGACGTGCGGGGCTACATCCCTGCTCTCTGCCACG-3'
Protein context (NP_001338.2, residues 498-518): HVSLFVGGLP[Pro508=]GLSPEEYSSL

ClinVar aggregate classification (germline): Likely benign (1 of 4 stars; one submission).

Allele frequency attached by ClinVar (database versions not stated): gnomAD 0.00002; ExAC 0.00006; ESP Exome Variant Server 0.00008.
gnomAD v4.1: 47 of 1,605,348 alleles (0.0029%); highest among the groups gnomAD compares: East Asian, 0.027%; no homozygotes.

Submission:

CeGaT Center for Human Genetics Tuebingen
Classification: Likely benign. Last evaluated: 2022-11-01. Review status: criteria provided, single submitter. Criteria: CeGaT Center For Human Genetics Tuebingen Variant Classification Criteria Version 2. Collection method: clinical testing. Allele origin: germline. Affected: yes. Observed: 1 variant allele.
Comment: DGKQ: BP4, BP7